The following is an entry in ClinVar:

ClinVar aggregate classification (germline): Uncertain significance (1 of 4 stars; one submission).

Conditions:
Neuropathy, hereditary sensory and autonomic, type 2A (HSAN2A). Also called: WNK1-Related HSAN2 (HSAN2A); ACROOSTEOLYSIS, GIACCAI TYPE; ACROOSTEOLYSIS, NEUROGENIC; NEUROPATHY, CONGENITAL SENSORY; NEUROPATHY, HEREDITARY SENSORY RADICULAR, AUTOSOMAL RECESSIVE; NEUROPATHY, HEREDITARY SENSORY, TYPE IIA. Identifiers: Orphanet 970, MedGen C2752089, MONDO:0024309, OMIM 201300.
Generalized epilepsy with febrile seizures plus, type 7 (GEFSP7). Also called: GEFS+, TYPE 7. Identifiers: Orphanet 36387, MedGen C2751778, MONDO:0013470, OMIM 613863.

gnomAD v4.1: 1 of 1,613,854 alleles (0.000062%); highest among the groups gnomAD compares: Non-Finnish European, 0.000085%; no homozygotes.

Submission:

Labcorp Genetics (formerly Invitae), Labcorp
Classification: Uncertain significance for Neuropathy, hereditary sensory and autonomic, type 2A; Generalized epilepsy with febrile seizures plus, type 7. Last evaluated: 2022-08-31. Review status: criteria provided, single submitter. Criteria: Invitae Variant Classification Sherloc (09022015). Collection method: clinical testing. Allele origin: germline.
Comment: In summary, the available evidence is currently insufficient to determine the role of this variant in disease. Therefore, it has been classified as a Variant of Uncertain Significance. Algorithms developed to predict the effect of missense changes on protein structure and function are either unavailable or do not agree on the potential impact of this missense change (SIFT: "Tolerated"; PolyPhen-2: "Probably Damaging"; Align-GVGD: "Class C0"). This variant has not been reported in the literature in individuals affected with SCN9A-related conditions. This variant is not present in population databases (gnomAD no frequency). This sequence change replaces lysine, which is basic and polar, with glutamic acid, which is acidic and polar, at codon 1375 of the SCN9A protein (p.Lys1375Glu).

NM_001365536.1(SCN9A):c.4156A>G (p.Lys1386Glu)

Genes: SCN1A-AS1 (SCN1A and SCN9A antisense RNA 1; plus strand), SCN9A (sodium voltage-gated channel alpha subunit 9; minus strand). Cytogenetic location: 2q24.3.
Variant type: single nucleotide variant.
Coding change: c.4156A>G on transcript NM_001365536.1 (MANE Select); coding-DNA position 4156, A replaced by G.
Protein change: p.Lys1386Glu; replaces lysine 1386 with glutamic acid.
Molecular consequence: missense variant.
Genome position (GRCh38, 1-based): chr2:166,228,741, T>C on the plus strand (A>G on the coding strand, the complement: SCN9A is on the minus strand). VCF-style: chr2-166228741-T-C. GRCh37 (hg19) VCF-style: chr2-167085251-T-C.
Other names: c.4123A>G, p.Lys1375Glu (NM_002977.4); short protein forms K1375E, K1386E.
Identifiers: ClinVar variation 2068461 (VCV002068461.4), dbSNP rs199902747, ClinGen allele CA349063400.